The following is an entry in ClinVar:

ClinVar aggregate classification (germline): Benign/Likely benign. Review status: criteria provided, multiple submitters, no conflicts (2 of 4 stars). 2 submissions from 2 submitters: Benign (1); Likely benign (1). Last evaluated 2024-05-16.

Conditions:
Hereditary cancer-predisposing syndrome. Also called: Neoplastic Syndromes, Hereditary; Tumor predisposition; Hereditary Cancer Syndrome; Hereditary neoplastic syndrome. Identifiers: Orphanet 140162, MedGen C0027672, MeSH D009386, MONDO:0015356.
Familial cancer of breast. Also called: BREAST CANCER, FAMILIAL; Hereditary breast cancer; hereditary breast carcinoma. Identifiers: Orphanet 227535, MedGen C0346153, MONDO:0016419, OMIM 114480. Disease mechanism: loss of function.

Submissions (2):

Myriad Genetics, Inc.
Classification: Benign for Familial cancer of breast. Last evaluated: 2024-05-16. Review status: criteria provided, single submitter. Criteria: Myriad Autosomal Dominant, Autosomal Recessive and X-Linked Classification Criteria (2023). Collection method: clinical testing. Allele origin: unknown.
Comment: This variant is considered benign. This variant is a silent/synonymous amino acid change and it is not expected to impact splicing.

Ambry Genetics
Classification: Likely benign for Hereditary cancer-predisposing syndrome. Last evaluated: 2020-04-12. Review status: criteria provided, single submitter. Criteria: Ambry Variant Classification Scheme 2023. Collection method: clinical testing. Allele origin: germline.

NM_000051.4(ATM):c.4077C>T (p.Ala1359=)

Gene: ATM (ATM serine/threonine kinase; plus strand). Cytogenetic location: 11q22.3.
Variant type: single nucleotide variant.
Coding change: c.4077C>T on transcript NM_000051.4 (MANE Select); coding-DNA position 4077, C replaced by T.
Protein change: p.Ala1359=; no amino-acid change (alanine 1359 retained).
Molecular consequence: synonymous variant.
Genome position (GRCh38, 1-based): chr11:108,287,683, C>T. VCF-style: chr11-108287683-C-T. GRCh37 (hg19) VCF-style: chr11-108158410-C-T.
Other names: c.4077C>T, p.Ala1359= (NM_001351834.2).
Identifiers: ClinVar variation 1737589 (VCV001737589.3), dbSNP rs375606854, ClinGen allele CA476673601.